The following is an entry in ClinVar:

NM_152419.3(HGSNAT):c.1145C>G (p.Ser382Cys)

Gene: HGSNAT (heparan-alpha-glucosaminide N-acetyltransferase; plus strand). Cytogenetic location: 8p11.21.
Variant type: single nucleotide variant.
Coding change: c.1145C>G on transcript NM_152419.3 (MANE Select); coding-DNA position 1145, C replaced by G.
Protein change: p.Ser382Cys; replaces serine 382 with cysteine.
Molecular consequence: missense variant.
Genome position (GRCh38, 1-based): chr8:43,191,490, C>G. VCF-style: chr8-43191490-C-G. GRCh37 (hg19) VCF-style: chr8-43046633-C-G.
Other names: c.1145C>G, p.Ser382Cys (NM_001363227.2); c.953C>G, p.Ser318Cys (NM_001363228.2); c.281C>G, p.Ser94Cys (NM_001363229.2); short protein forms S382C, S318C, S94C.
Identifiers: ClinVar variation 909562 (VCV000909562.8), dbSNP rs201735532, ClinGen allele CA4736792.
Genomic context (GRCh38, chr8:43,191,490, plus strand): 5'-TTGCATTTAGTTCACCCGTGTTTTATTTTTCTGCCCCCACTCAGGAGAGGAGCTGCCTTT[C>G]TCTTCGAGACATCACGTCCAGCTGGCCCCAGTGGCTGCTCATCCTGGTGCTGGAAGGCCT-3'
Protein context (NP_689632.2, residues 372-392): EHCASERSCL[Ser382Cys]LRDITSSWPQ

ClinVar aggregate classification (germline): Uncertain significance. Review status: criteria provided, multiple submitters, no conflicts (2 of 4 stars). 5 submissions from 5 submitters: Uncertain significance (5). Last evaluated 2025-06-13.

Conditions:
Inborn genetic diseases. Identifiers: MedGen C0950123, MeSH D030342.
HGSNAT-related disorder. Also called: HGSNAT-related condition.
Mucopolysaccharidosis, MPS-III-C (MPS3C). Also called: mucopolysaccharidosis type 3C; MUCOPOLYSACCHARIDOSIS, TYPE IIIC; SANFILIPPO SYNDROME C; MPS III C; Mucopolysaccharidosis type IIIC (Sanfilippo C); MPS IIIC (Sanfilippo Syndrome Type C). Identifiers: Orphanet 581, Orphanet 79271, MedGen C0086649, MONDO:0009657, OMIM 252930.
Retinitis pigmentosa 73 (RP73). Identifiers: Orphanet 791, MedGen C4225287, MONDO:0014687, OMIM 616544.

Allele frequency attached by ClinVar (database versions not stated): gnomAD 0.00007 and 0.00008; ESP Exome Variant Server 0.00008; TOPMed 0.00008; ExAC 0.00010; gnomAD exomes 0.00008 and 0.00018.
gnomAD v4.1: 270 of 1,613,712 alleles (0.017%); highest among the groups gnomAD compares: Non-Finnish European, 0.022%; no homozygotes.

Submissions (5):

PreventionGenetics, part of Exact Sciences
Classification: Uncertain significance for HGSNAT-related condition. Last evaluated: 2025-06-13. Review status: criteria provided, single submitter. Criteria: ACMG Guidelines, 2015. Collection method: clinical testing. Allele origin: germline.
Comment: The HGSNAT c.1145C>G variant is predicted to result in the amino acid substitution p.Ser382Cys. To our knowledge, this variant has not been reported in the literature. This variant is reported in 0.016% of alleles in individuals of European (Non-Finnish) descent in gnomAD. At this time, the clinical significance of this variant is uncertain due to the absence of conclusive functional and genetic evidence.

Ambry Genetics
Classification: Uncertain significance for Inborn genetic diseases. Last evaluated: 2024-06-28. Review status: criteria provided, single submitter. Criteria: Ambry Variant Classification Scheme 2023. Collection method: clinical testing. Allele origin: germline.

Blueprint Genetics
Classification: Uncertain significance. Last evaluated: 2024-04-26. Review status: criteria provided, single submitter. Criteria: ACMG Guidelines, 2015. Collection method: clinical testing. Allele origin: germline.

Labcorp Genetics (formerly Invitae), Labcorp
Classification: Uncertain significance for Retinitis pigmentosa 73; Mucopolysaccharidosis, MPS-III-C. Last evaluated: 2022-08-19. Review status: criteria provided, single submitter. Criteria: Invitae Variant Classification Sherloc (09022015). Collection method: clinical testing. Allele origin: germline.
Comment: This sequence change replaces serine, which is neutral and polar, with cysteine, which is neutral and slightly polar, at codon 382 of the HGSNAT protein (p.Ser382Cys). This variant is present in population databases (rs201735532, gnomAD 0.02%). This variant has not been reported in the literature in individuals affected with HGSNAT-related conditions. ClinVar contains an entry for this variant (Variation ID: 909562). Advanced modeling of protein sequence and biophysical properties (such as structural, functional, and spatial information, amino acid conservation, physicochemical variation, residue mobility, and thermodynamic stability) performed at Invitae indicates that this missense variant is not expected to disrupt HGSNAT protein function. In summary, the available evidence is currently insufficient to determine the role of this variant in disease. Therefore, it has been classified as a Variant of Uncertain Significance.

Illumina Laboratory Services, Illumina
Classification: Uncertain significance for Mucopolysaccharidosis, MPS-III-C. Last evaluated: 2018-01-12. Review status: criteria provided, single submitter. Criteria: ICSL Variant Classification Criteria 13 December 2019. Collection method: clinical testing. Allele origin: germline.